The following is an entry in ClinVar:

ClinVar aggregate classification (germline): Pathogenic (1 of 4 stars; one submission).

Submission:

GeneDx
Classification: Pathogenic. Last evaluated: 2015-04-23. Review status: criteria provided, single submitter. Criteria: GeneDx Variant Classification (06012015). Collection method: clinical testing. Allele origin: germline. Affected: yes.
Comment: The E871X nonsense variant in the CASR gene is predicted to cause loss of normal protein functionthrough protein truncation. Specifically, it is predicted that the last 208 residues of the protein will be lost.Although this variant has not been reported previously to our knowledge, we consider it to be pathogenic.

NM_000388.4(CASR):c.2611G>T (p.Glu871Ter)

Gene: CASR (calcium sensing receptor; plus strand). Cytogenetic location: 3q21.1.
Variant type: single nucleotide variant.
Coding change: c.2611G>T on transcript NM_000388.4 (MANE Select); coding-DNA position 2611, G replaced by T.
Protein change: p.Glu871Ter; replaces glutamic acid 871 with a stop codon.
Molecular consequence: nonsense.
Genome position (GRCh38, 1-based): chr3:122,284,565, G>T. VCF-style: chr3-122284565-G-T. GRCh37 (hg19) VCF-style: chr3-122003412-G-T.
Other names: c.2641G>T, p.Glu881Ter (NM_001178065.2); short protein forms E871*, E881*.
Identifiers: ClinVar variation 379567 (VCV000379567.2), dbSNP rs1057520646, ClinGen allele CA16604790.